The following is an entry in ClinVar:

NM_000303.3(PMM2):c.527G>A (p.Gly176Asp)

Gene: PMM2 (phosphomannomutase 2; plus strand). Cytogenetic location: 16p13.2.
Variant type: single nucleotide variant.
Coding change: c.527G>A on transcript NM_000303.3 (MANE Select); coding-DNA position 527, G replaced by A.
Protein change: p.Gly176Asp; replaces glycine 176 with aspartic acid.
Molecular consequence: missense variant.
Genome position (GRCh38, 1-based): chr16:8,812,994, G>A. VCF-style: chr16-8812994-G-A. GRCh37 (hg19) VCF-style: chr16-8906851-G-A.
Other names: short protein forms G176D.
Identifiers: ClinVar variation 446054 (VCV000446054.10), dbSNP rs940938678, ClinGen allele CA277491977.

ClinVar aggregate classification (germline): Conflicting classifications of pathogenicity. Review status: criteria provided, conflicting classifications (1 of 4 stars). 3 submissions from 3 submitters: Likely pathogenic (1); Uncertain significance (2). Last evaluated 2024-09-24.

Conditions:
PMM2-congenital disorder of glycosylation. Also called: JAEKEN SYNDROME; PHOSPHOMANNOMUTASE 2 DEFICIENCY; CARBOHYDRATE-DEFICIENT GLYCOPROTEIN SYNDROME, TYPE Ia; Congenital disorder of glycosylation, type Ia; CDG Ia; PMM2-CDG. Identifiers: Orphanet 79318, MedGen C0349653, MONDO:0008907, OMIM 212065.

Allele frequency attached by ClinVar (database versions not stated): TOPMed below 0.00001; gnomAD exomes 0.00001.
gnomAD v4.1: 7 of 1,597,876 alleles (0.00044%); highest among the groups gnomAD compares: African/African-American, 0.0013%; no homozygotes.

Submissions (3):

Women's Health and Genetics/Laboratory Corporation of America, LabCorp
Classification: Uncertain significance. Last evaluated: 2024-09-24. Review status: criteria provided, single submitter. Criteria: LabCorp Variant Classification Summary - May 2015. Collection method: clinical testing. Allele origin: germline.
Comment: Variant summary: PMM2 c.527G>A (p.Gly176Asp) results in a non-conservative amino acid change in the encoded protein sequence. Five of five in-silico tools predict a damaging effect of the variant on protein function. The variant was absent in 251478 control chromosomes. The available data on variant occurrences in the general population are insufficient to allow any conclusion about variant significance. To our knowledge, no occurrence of c.527G>A in individuals affected with Congenital Disorder Of Glycosylation Type 1a and no experimental evidence demonstrating its impact on protein function have been reported. ClinVar contains an entry for this variant (Variation ID: 446054). Based on the evidence outlined above, the variant was classified as uncertain significance.

Labcorp Genetics (formerly Invitae), Labcorp
Classification: Uncertain significance for PMM2-congenital disorder of glycosylation. Last evaluated: 2022-04-12. Review status: criteria provided, single submitter. Criteria: Invitae Variant Classification Sherloc (09022015). Collection method: clinical testing. Allele origin: germline.
Comment: This sequence change replaces glycine, which is neutral and non-polar, with aspartic acid, which is acidic and polar, at codon 176 of the PMM2 protein (p.Gly176Asp). This variant is not present in population databases (gnomAD no frequency). This variant has not been reported in the literature in individuals affected with PMM2-related conditions. ClinVar contains an entry for this variant (Variation ID: 446054). Algorithms developed to predict the effect of missense changes on protein structure and function (SIFT, PolyPhen-2, Align-GVGD) all suggest that this variant is likely to be disruptive. In summary, the available evidence is currently insufficient to determine the role of this variant in disease. Therefore, it has been classified as a Variant of Uncertain Significance.

Center for Pediatric Genomic Medicine, Children's Mercy Hospital and Clinics
Classification: Likely pathogenic. Last evaluated: 2017-07-21. Review status: criteria provided, single submitter. Criteria: ACMG Guidelines, 2015. Collection method: clinical testing. Allele origin: germline.